The following is an entry in ClinVar:

ClinVar aggregate classification (germline): Conflicting classifications of pathogenicity. Review status: criteria provided, conflicting classifications (1 of 4 stars). 2 submissions from 2 submitters: Likely pathogenic (1); Uncertain significance (1). Last evaluated 2025-01-22.

Conditions:
Cardiomyopathy (CMYO). Also called: Cardiomyopathies. Identifiers: Orphanet 167848, MedGen C0878544, MONDO:0004994, HP:0001638. Inheritance: Various modes of inheritance.
Hypertrophic cardiomyopathy 1 (CMH1). Also called: Familial hypertrophic cardiomyopathy 1; MYH7-Related Familial Hypertrophic Cardiomyopathy. Identifiers: MedGen C3495498, MONDO:0008647, OMIM 192600.

Submissions (2):

3billion
Classification: Likely pathogenic for Hypertrophic cardiomyopathy 1. Last evaluated: 2025-01-22. Review status: criteria provided, single submitter. Criteria: ACMG Guidelines, 2015. Collection method: clinical testing. Allele origin: germline. Affected: yes.
Comment: The variant is not observed in the gnomAD v4.1.0 dataset. Predicted Consequence/Location: The variant is located in a mutational hot spot and/or well-established functional domain in which established pathogenic variants have been reported (PMID: 29300372). In silico tool predictions suggest damaging effect of the variant on gene or gene product [REVEL: 0.77 (>=0.6, sensitivity 0.68 and specificity 0.92); 3Cnet: 1.00 (>=0.6, sensitivity 0.72 and precision 0.9)]. The same nucleotide change resulting in the same amino acid change has been previously reported to be associated with MYH7-related disorder (ClinVar ID: VCV001172062 / 3billion dataset). Different missense changes at the same codon (p.Ile263Met, p.Ile263Thr) have been reported as pathogenic/likely pathogenic with strong evidence (ClinVar ID: VCV000043106, VCV000181326 /PMID: 15358028, 9829907). Therefore, this variant is classified as Likely pathogenic according to the recommendation of ACMG/AMP guideline.

Color Diagnostics, LLC DBA Color Health
Classification: Uncertain significance for Cardiomyopathy. Last evaluated: 2020-09-28. Review status: criteria provided, single submitter. Criteria: ACMG Guidelines, 2015. Collection method: clinical testing. Allele origin: germline.
Comment: This missense variant replaces isoleucine with leucine at codon 263 of the MYH7 protein. Computational prediction suggests that this variant may have deleterious impact on protein structure and function (internally defined REVEL score threshold >= 0.7, PMID: 27666373). To our knowledge, functional studies have not been reported for this variant. This variant has not been reported in individuals affected with cardiovascular disorders in the literature. This variant has not been identified in the general population by the Genome Aggregation Database (gnomAD). A different missense variant occurring at the same codon, p.Ile263Thr, has been associated with hypertrophic cardiomyopathy (Clinvar variation ID: 43106), indicating that isoleucine at this position is important for MYH7 protein function. The available evidence is insufficient to determine the role of this variant in disease conclusively. Therefore, this variant is classified as a Variant of Uncertain Significance.

Literature cited by the submitters: PubMed 15358028 (cited by 3billion).

NM_000257.4(MYH7):c.787A>C (p.Ile263Leu)

Gene: MYH7 (myosin heavy chain 7; minus strand). Cytogenetic location: 14q11.2.
Variant type: single nucleotide variant.
Coding change: c.787A>C on transcript NM_000257.4 (MANE Select); coding-DNA position 787, A replaced by C.
Protein change: p.Ile263Leu; replaces isoleucine 263 with leucine.
Molecular consequence: missense variant.
Genome position (GRCh38, 1-based): chr14:23,431,427, T>G on the plus strand (A>C on the coding strand, the complement: MYH7 is on the minus strand). VCF-style: chr14-23431427-T-G. GRCh37 (hg19) VCF-style: chr14-23900636-T-G.
Other names: short protein forms I263L.
Identifiers: ClinVar variation 1172062 (VCV001172062.6), dbSNP rs2138681177, ClinGen allele CA389052055.